The following is an entry in ClinVar:

NM_001082486.1(ACD):c.50C>T (p.Ala17Val)

Genes: ACD (ACD shelterin complex subunit and telomerase recruitment factor; minus strand), LOC130059224 (ATAC-STARR-seq lymphoblastoid silent region 7617; plus strand). Cytogenetic location: 16q22.1.
Variant type: single nucleotide variant.
Coding change: c.50C>T on transcript NM_001082486.1; coding-DNA position 50, C replaced by T.
Protein change: p.Ala17Val; replaces alanine 17 with valine.
Genome position (GRCh38, 1-based): chr16:67,660,429, G>A on the plus strand (C>T on the coding strand, the complement: ACD is on the minus strand). VCF-style: chr16-67660429-G-A. GRCh37 (hg19) VCF-style: chr16-67694332-G-A.
Other names: short protein forms A17V.
Identifiers: ClinVar variation 1745339 (VCV001745339.2), dbSNP rs2543613502, ClinGen allele CA396360048.

ClinVar aggregate classification (germline): Uncertain significance (1 of 4 stars; one submission).

Conditions:
Inborn genetic diseases. Identifiers: MedGen C0950123, MeSH D030342.

Allele frequency attached by ClinVar (database versions not stated): gnomAD exomes below 0.00001.

Submission:

Ambry Genetics
Classification: Uncertain significance for Inborn genetic diseases. Last evaluated: 2022-06-11. Review status: criteria provided, single submitter. Criteria: Ambry Variant Classification Scheme 2023. Collection method: clinical testing. Allele origin: germline.
Comment: The p.A17V variant (also known as c.50C>T), located in coding exon 1 of the ACD gene, results from a C to T substitution at nucleotide position 50. The alanine at codon 17 is replaced by valine, an amino acid with similar properties. This amino acid position is conserved. In addition, this alteration is predicted to be tolerated by in silico analysis. Since supporting evidence is limited at this time, the clinical significance of this alteration remains unclear.